The following is an entry in ClinVar:

NM_130384.3(ATRIP):c.1056-18_1056-15del

Genes: ATRIP (ATR interacting protein; plus strand), ATRIP-TREX1 (ATRIP-TREX1 readthrough; plus strand). Cytogenetic location: 3p21.31.
Variant type: Deletion.
Coding change: c.1056-18_1056-15del on transcript NM_130384.3 (MANE Select); 18 bases into the intron before coding-DNA position 1056 through 15 bases into the intron before coding-DNA position 1056, 4 bases deleted (CTTT; older notation c.1056-18_1056-15delCTTT).
Molecular consequence: intron variant.
Genome position (GRCh38, 1-based): chr3:48,460,092-48,460,095, CTTT deleted; deleting any 4 consecutive bases within chr3:48,460,089-48,460,095 gives the same sequence; the c. name uses the placement nearest the transcript's 3' end. VCF-style (leftmost placement, unchanged base first): chr3-48460088-TTTTC-T. GRCh37 (hg19) VCF-style: chr3-48501487-TTTTC-T.
Other names: c.1056-18_1056-15del (NM_032166.4); c.675-18_675-15del (NM_001271022.2); c.777-18_777-15del (NM_001271023.2).
Identifiers: ClinVar variation 2117631 (VCV002117631.4), dbSNP rs766240937, ClinGen allele CA2376134.

ClinVar aggregate classification (germline): Uncertain significance (1 of 4 stars; one submission).

Submission:

Labcorp Genetics (formerly Invitae), Labcorp
Classification: Uncertain significance. Last evaluated: 2025-04-30. Review status: criteria provided, single submitter. Criteria: Invitae Variant Classification Sherloc (09022015). Collection method: clinical testing. Allele origin: germline.
Comment: This sequence change falls in intron 7 of the ATRIP gene. It does not directly change the encoded amino acid sequence of the ATRIP protein. This variant is present in population databases (rs766240937, gnomAD 0.007%). This variant has not been reported in the literature in individuals affected with ATRIP-related conditions. ClinVar contains an entry for this variant (Variation ID: 2117631). Algorithms developed to predict the effect of sequence changes on RNA splicing suggest that this variant may disrupt the consensus splice site. In summary, the available evidence is currently insufficient to determine the role of this variant in disease. Therefore, it has been classified as a Variant of Uncertain Significance.